The following is an entry in ClinVar:

NM_000179.3(MSH6):c.628-2A>G

Gene: MSH6 (mutS homolog 6; plus strand). Cytogenetic location: 2p16.3.
Variant type: single nucleotide variant.
Coding change: c.628-2A>G on transcript NM_000179.3 (MANE Select); the canonical splice acceptor site of the intron before coding-DNA position 628, A replaced by G.
Molecular consequence: splice acceptor variant. On other transcripts: intron variant (2).
Genome position (GRCh38, 1-based): chr2:47,798,609, A>G. VCF-style: chr2-47798609-A-G. GRCh37 (hg19) VCF-style: chr2-48025748-A-G.
Other names: c.628-2A>G (NM_001406809.1, NM_001406796.1, NM_001406808.1 and 4 more transcripts); c.-279-2A>G (NM_001406811.1, NM_001406814.1, NM_001281493.2 and 5 more transcripts); c.331-2A>G (NM_001406805.1, NM_001406797.1, NM_001406801.1 and 10 more transcripts); c.724-2A>G (NM_001406795.1, NM_001406802.1); c.634-2A>G (NM_001406813.1); c.103-2A>G (NM_001406807.1, NM_001406799.1, NM_001406806.1); c.628-2057A>G (NM_001407362.1); c.550-2A>G (NM_001406804.1); and 3 more.
Identifiers: ClinVar variation 428338 (VCV000428338.22), dbSNP rs1114167725, ClinGen allele CA346739195.
Genomic context (GRCh38, chr2:47,798,609, plus strand): 5'-GTCTTACATTATGGTTTTCCAAATTTTGATTTGTTTTTAAATACTCTTTCCTTGCCTGGC[A>G]GGTAGGCACAACTTACGTAACAGATAAGAGTGAAGAAGATAATGAAATTGAGAGTGAAGA-3'

ClinVar aggregate classification (germline): Pathogenic/Likely pathogenic. Review status: criteria provided, multiple submitters, no conflicts (2 of 4 stars). 4 submissions from 4 submitters: Pathogenic (2); Likely pathogenic (2). Last evaluated 2024-10-04.

Conditions:
Hereditary cancer-predisposing syndrome. Also called: Hereditary Cancer Syndrome; Neoplastic Syndromes, Hereditary; Hereditary neoplastic syndrome; Tumor predisposition. Identifiers: Orphanet 140162, MedGen C0027672, MeSH D009386, MONDO:0015356.
Hereditary nonpolyposis colorectal neoplasms. Identifiers: MedGen C0009405, MeSH D003123.
Lynch syndrome 5 (LYNCH5). Also called: Hereditary non-polyposis colorectal cancer, type 5; Colorectal cancer, hereditary nonpolyposis, type 5. Identifiers: Orphanet 144, MedGen C1833477, MONDO:0013710, OMIM 614350. Disease mechanism: loss of function.

Allele frequency attached by ClinVar (database versions not stated): gnomAD 0.00001.
gnomAD v4.1: 1 of 1,609,282 alleles (0.000062%); highest among the groups gnomAD compares: African/African-American, 0.0013%; no homozygotes.

Submissions (4):

Ambry Genetics
Classification: Likely pathogenic for Hereditary cancer-predisposing syndrome. Last evaluated: 2024-10-04. Review status: criteria provided, single submitter. Criteria: Ambry Variant Classification Scheme 2023. Collection method: clinical testing. Allele origin: germline.
Comment: The c.628-2A>G intronic variant results from an A to G substitution two nucleotides upstream from coding exon 4 in the MSH6 gene. This nucleotide position is highly conserved in available vertebrate species. In silico splice site analysis predicts that this alteration will weaken the native splice acceptor site; however, direct evidence is insufficient at this time (Ambry internal data). This variant is considered to be rare based on population cohorts in the Genome Aggregation Database (gnomAD). Based on the majority of available evidence to date, this variant is likely to be pathogenic.

Labcorp Genetics (formerly Invitae), Labcorp
Classification: Pathogenic for Hereditary nonpolyposis colorectal neoplasms. Last evaluated: 2024-07-29. Review status: criteria provided, single submitter. Criteria: Invitae Variant Classification Sherloc (09022015). Collection method: clinical testing. Allele origin: germline.
Comment: This sequence change affects an acceptor splice site in intron 3 of the MSH6 gene. RNA analysis indicates that disruption of this splice site induces altered splicing and may result in an absent or altered protein product. This variant is not present in population databases (gnomAD no frequency). Disruption of this splice site has been observed in individual(s) with endometrial cancer (PMID: 27443514). ClinVar contains an entry for this variant (Variation ID: 428338). Studies have shown that disruption of this splice site results in activation of a cryptic splice site, and produces a non-functional protein and/or introduces a premature termination codon (Invitae). For these reasons, this variant has been classified as Pathogenic.

Myriad Genetics, Inc.
Classification: Likely pathogenic for Lynch syndrome 5. Last evaluated: 2023-08-10. Review status: criteria provided, single submitter. Criteria: Myriad Autosomal Dominant, Autosomal Recessive and X-Linked Classification Criteria (2023). Collection method: clinical testing. Allele origin: unknown.
Comment: This variant is considered likely pathogenic. This variant occurs within a consensus splice junction and is predicted to result in abnormal mRNA splicing of either an out-of-frame exon or an in-frame exon necessary for protein stability and/or normal function.

ARUP Laboratories, Molecular Genetics and Genomics, ARUP Laboratories
Classification: Pathogenic. Last evaluated: 2019-01-15. Review status: criteria provided, single submitter. Criteria: ARUP Molecular Germline Variant Investigation Process. Collection method: clinical testing. Allele origin: germline.
Comment: The MSH6 c.628-2A>G variant, to our knowledge, is not reported in the medical literature or gene specific databases. This variant is also absent from general population databases (Exome Variant Server, Genome Aggregation Database), indicating it is not a common polymorphism. This variant abolishes the canonical splice acceptor site of intron 3, which is likely to disrupt gene function. Other truncating variants downstream of this variant have been identified in families with diagnosed or suspected Lynch syndrome and are considered pathogenic (Rossi 2017, Sjursen 2010). Based on available information, the c.628-2A>G variant is considered to be pathogenic. References: Rossi BM et al. A survey of the clinicopathological and molecular characteristics of patients with suspected Lynch syndrome in Latin America. BMC Cancer. 2017 Sep 5;17(1):623. Sjursen W et al. Current clinical criteria for Lynch syndrome are not sensitive enough to identify MSH6 mutation carriers. J Med Genet. 2010 Sep;47(9):579-85.

Literature cited by the submitters: PubMed 27443514 (cited by Labcorp Genetics (formerly Invitae), Labcorp).